The following is an entry in ClinVar:

NM_024741.3(ZNF408):c.1242C>T (p.Cys414=)

Gene: ZNF408 (zinc finger protein 408; plus strand). Cytogenetic location: 11p11.2.
Variant type: single nucleotide variant.
Coding change: c.1242C>T on transcript NM_024741.3 (MANE Select); coding-DNA position 1242, C replaced by T.
Protein change: p.Cys414=; no amino-acid change (cysteine 414 retained).
Molecular consequence: synonymous variant.
Genome position (GRCh38, 1-based): chr11:46,704,942, C>T. VCF-style: chr11-46704942-C-T. GRCh37 (hg19) VCF-style: chr11-46726492-C-T.
Other names: c.1218C>T, p.Cys406= (NM_001184751.2).
Identifiers: ClinVar variation 726050 (VCV000726050.11), dbSNP rs369874835, ClinGen allele CA5966517.

ClinVar aggregate classification (germline): Likely benign. Review status: criteria provided, multiple submitters, no conflicts (2 of 4 stars). 3 submissions from 3 submitters: Likely benign (3). Last evaluated 2026-04-23.

Conditions:
ZNF408-related disorder. Also called: ZNF408-related condition.

Allele frequency attached by ClinVar (database versions not stated): TOPMed 0.00005; gnomAD 0.00006 and 0.00010; ESP Exome Variant Server 0.00015; 1000 Genomes Project 30x 0.00016; 1000 Genomes Project 0.00020.
gnomAD v4.1: 98 of 1,613,530 alleles (0.0061%); highest among the groups gnomAD compares: South Asian, 0.078%; 3 homozygotes.

Submissions (3):

PreventionGenetics, part of Exact Sciences
Classification: Likely benign for ZNF408-related condition. Last evaluated: 2026-04-23. Review status: criteria provided, single submitter. Criteria: ACMG Guidelines, 2015. Collection method: clinical testing. Allele origin: germline.
Comment: This variant is classified as likely benign based on ACMG/AMP sequence variant interpretation guidelines (Richards et al. 2015 PMID: 25741868, with internal and published modifications).

Blueprint Genetics
Classification: Likely benign. Last evaluated: 2024-07-17. Review status: criteria provided, single submitter. Criteria: ACMG Guidelines, 2015. Collection method: clinical testing. Allele origin: germline.

Labcorp Genetics (formerly Invitae), Labcorp
Classification: Likely benign. Last evaluated: 2024-02-24. Review status: criteria provided, single submitter. Criteria: Invitae Variant Classification Sherloc (09022015). Collection method: clinical testing. Allele origin: germline.